The following is an entry in ClinVar:

NM_020928.2(ZSWIM6):c.124T>A (p.Cys42Ser)

Gene: ZSWIM6 (zinc finger SWIM-type containing 6; plus strand). Cytogenetic location: 5q12.1.
Variant type: single nucleotide variant.
Coding change: c.124T>A on transcript NM_020928.2 (MANE Select); coding-DNA position 124, T replaced by A.
Protein change: p.Cys42Ser; replaces cysteine 42 with serine.
Molecular consequence: missense variant.
Genome position (GRCh38, 1-based): chr5:61,332,396, T>A. VCF-style: chr5-61332396-T-A. GRCh37 (hg19) VCF-style: chr5-60628223-T-A.
Other names: short protein forms C42S.
Identifiers: ClinVar variation 5009571 (VCV005009571.1).

ClinVar aggregate classification (germline): Uncertain significance (1 of 4 stars; one submission).

Submission:

GeneDx
Classification: Uncertain significance. Last evaluated: 2026-03-21. Review status: criteria provided, single submitter. Criteria: GeneDx Variant Classification Process June 2021. Collection method: clinical testing. Allele origin: germline.
Comment: Not observed at significant frequency in large population cohorts (gnomAD); In silico analysis suggests that this missense variant does not alter protein structure/function; Has not been previously published as pathogenic or benign to our knowledge